The following is an entry in ClinVar:

ClinVar aggregate classification (germline): Benign. Review status: criteria provided, multiple submitters, no conflicts (2 of 4 stars). 2 submissions from 2 submitters: Benign (2). Last evaluated 2018-01-13.

Conditions:
Griscelli syndrome type 2 (GS2). Also called: GRISCELLI SYNDROME WITH HEMOPHAGOCYTIC SYNDROME; PAID SYNDROME; PARTIAL ALBINISM AND IMMUNODEFICIENCY SYNDROME. Identifiers: Orphanet 381, Orphanet 79477, MedGen C1868679, MONDO:0011872, OMIM 607624.

Allele frequency attached by ClinVar (database versions not stated): gnomAD 0.26437 and 0.27179; 1000 Genomes Project 0.26538; 1000 Genomes Project 30x 0.27108; TOPMed 0.27700.

Submissions (2):

Illumina Laboratory Services, Illumina
Classification: Benign for Griscelli syndrome type 2. Last evaluated: 2018-01-13. Review status: criteria provided, single submitter. Criteria: ICSL Variant Classification Criteria 13 December 2019. Collection method: clinical testing. Allele origin: germline.
Comment: This variant was observed in the ICSL laboratory as part of a predisposition screen in an ostensibly healthy population. It had not been previously curated by ICSL or reported in the Human Gene Mutation Database (HGMD: prior to June 1st, 2018), and was therefore a candidate for classification through an automated scoring system. Utilizing variant allele frequency, disease prevalence and penetrance estimates, and inheritance mode, an automated score was calculated to assess if this variant is too frequent to cause the disease. Based on the score and internal cut-off values, a variant classified as benign is not then subjected to further curation. The score for this variant resulted in a classification of benign for this disease.

Breakthrough Genomics
Classification: Benign. Review status: criteria provided, single submitter. Criteria: ACMG Guidelines, 2015. Collection method: not provided. Allele origin: germline. Inheritance: Autosomal recessive inheritance. Affected: yes.

NM_183235.3(RAB27A):c.*2007G>A

Gene: RAB27A (RAB27A, member RAS oncogene family; minus strand). Cytogenetic location: 15q21.3.
Variant type: single nucleotide variant.
Coding change: c.*2007G>A on transcript NM_183235.3 (MANE Select); 2007 bases downstream of the stop codon, G replaced by A.
Molecular consequence: 3 prime UTR variant.
Genome position (GRCh38, 1-based): chr15:55,203,500, C>T on the plus strand (G>A on the coding strand, the complement: RAB27A is on the minus strand). VCF-style: chr15-55203500-C-T. GRCh37 (hg19) VCF-style: chr15-55495698-C-T.
Other names: c.*2007G>A (NM_004580.5, NM_183234.3, NM_183236.3).
Identifiers: ClinVar variation 316611 (VCV000316611.6), dbSNP rs6493769, ClinGen allele CA10646328.
Genomic context (GRCh38, chr15:55,203,500, plus strand): 5'-GAGTCTCCTCTGTCGCCCAGGCTGGAGTGCAGTGGCGCAATCTCGGCTCACTGCAAGCTC[C>T]GCCTCCCAGGTTCACGCCATTCTCCTGCCTCAGCCTCCTGAGTAGCTGGGACTACAGGTG-3'